The following is an entry in ClinVar:

ClinVar aggregate classification (germline): Uncertain significance (1 of 4 stars; one submission).

gnomAD v4.1: 38 of 1,614,128 alleles (0.0024%); highest among the groups gnomAD compares: Non-Finnish European, 0.0032%; no homozygotes.

Submission:

Labcorp Genetics (formerly Invitae), Labcorp
Classification: Uncertain significance. Last evaluated: 2022-11-29. Review status: criteria provided, single submitter. Criteria: Invitae Variant Classification Sherloc (09022015). Collection method: clinical testing. Allele origin: germline.
Comment: This variant is present in population databases (rs775358778, gnomAD 0.003%). This sequence change replaces phenylalanine, which is neutral and non-polar, with leucine, which is neutral and non-polar, at codon 300 of the COL4A2 protein (p.Phe300Leu). This variant has not been reported in the literature in individuals affected with COL4A2-related conditions. Advanced modeling of protein sequence and biophysical properties (such as structural, functional, and spatial information, amino acid conservation, physicochemical variation, residue mobility, and thermodynamic stability) performed at Invitae indicates that this missense variant is not expected to disrupt COL4A2 protein function. In summary, the available evidence is currently insufficient to determine the role of this variant in disease. Therefore, it has been classified as a Variant of Uncertain Significance.

NM_001846.4(COL4A2):c.900T>A (p.Phe300Leu)

Gene: COL4A2 (collagen type IV alpha 2 chain; plus strand). Cytogenetic location: 13q34.
Variant type: single nucleotide variant.
Coding change: c.900T>A on transcript NM_001846.4 (MANE Select); coding-DNA position 900, T replaced by A.
Protein change: p.Phe300Leu; replaces phenylalanine 300 with leucine.
Molecular consequence: missense variant.
Genome position (GRCh38, 1-based): chr13:110,438,656, T>A. VCF-style: chr13-110438656-T-A. GRCh37 (hg19) VCF-style: chr13-111091003-T-A.
Other names: short protein forms F300L.
Identifiers: ClinVar variation 3015626 (VCV003015626.3), dbSNP rs775358778, ClinGen allele CA7049203.